The following is an entry in ClinVar:

NM_000368.5(TSC1):c.1142-17C>T

Gene: TSC1 (TSC complex subunit 1; minus strand). Cytogenetic location: 9q34.13.
Variant type: single nucleotide variant.
Coding change: c.1142-17C>T on transcript NM_000368.5 (MANE Select); 17 bases into the intron before coding-DNA position 1142, C replaced by T.
Molecular consequence: intron variant.
Genome position (GRCh38, 1-based): chr9:132,910,709, G>A on the plus strand (C>T on the coding strand, the complement: TSC1 is on the minus strand). VCF-style: chr9-132910709-G-A. GRCh37 (hg19) VCF-style: chr9-135786096-G-A.
Other names: c.779-17C>T (NM_001362177.2); c.989-17C>T (NM_001162427.2); c.1142-20C>T (NM_001162426.2).
Identifiers: ClinVar variation 1617271 (VCV001617271.9), dbSNP rs1845909117, ClinGen allele CA1882417163.

ClinVar aggregate classification (germline): Likely benign. Review status: criteria provided, multiple submitters, no conflicts (2 of 4 stars). 2 submissions from 2 submitters: Likely benign (2). Last evaluated 2025-04-09.

Conditions:
Tuberous sclerosis 1 (TSC1). Identifiers: Orphanet 805, MedGen C1854465, MONDO:0008612, OMIM 191100.

gnomAD v4.1: 4 of 1,612,908 alleles (0.00025%); highest among the groups gnomAD compares: African/African-American, 0.004%; no homozygotes.

Submissions (2):

Myriad Genetics, Inc.
Classification: Likely benign for Tuberous sclerosis 1. Last evaluated: 2025-04-09. Review status: criteria provided, single submitter. Criteria: Myriad Autosomal Dominant, Autosomal Recessive and X-Linked Classification Criteria (2023). Collection method: clinical testing. Allele origin: unknown.
Comment: This variant is considered likely benign. This variant is intronic and is not expected to impact mRNA splicing.

Labcorp Genetics (formerly Invitae), Labcorp
Classification: Likely benign for Tuberous sclerosis 1. Last evaluated: 2024-10-10. Review status: criteria provided, single submitter. Criteria: Invitae Variant Classification Sherloc (09022015). Collection method: clinical testing. Allele origin: germline.